The following is an entry in ClinVar:

NM_001378418.1(TCF20):c.2671G>A (p.Asp891Asn)

Gene: TCF20 (transcription factor 20; minus strand). Cytogenetic location: 22q13.2.
Variant type: single nucleotide variant.
Coding change: c.2671G>A on transcript NM_001378418.1 (MANE Select); coding-DNA position 2671, G replaced by A.
Protein change: p.Asp891Asn; replaces aspartic acid 891 with asparagine.
Molecular consequence: missense variant.
Genome position (GRCh38, 1-based): chr22:42,212,635, C>T on the plus strand (G>A on the coding strand, the complement: TCF20 is on the minus strand). VCF-style: chr22-42212635-C-T. GRCh37 (hg19) VCF-style: chr22-42608641-C-T.
Other names: c.2671G>A, p.Asp891Asn (NM_005650.4, NM_181492.3); short protein forms D891N.
Identifiers: ClinVar variation 1957993 (VCV001957993.5), dbSNP rs763265100, ClinGen allele CA10266979.
Genomic context (GRCh38, chr22:42,212,635, plus strand): 5'-GAAGAATGACCGACTGACTTAAAGTTGGATTGAGACGGTCATTCCTCCCAATTCTGGTGT[C>T]GGCACTCATGTGTCCCAGTGAGTGAGCCCCTGGGTCCCTGACAATCTGTCTTAGTGGAGA-3'
Protein context (NP_001365347.1, residues 881-901): GAHSLGHMSA[Asp891Asn]TRIGRNDRLN

ClinVar aggregate classification (germline): Uncertain significance (1 of 4 stars; one submission).

Allele frequency attached by ClinVar (database versions not stated): gnomAD exomes below 0.00001; TOPMed below 0.00001; gnomAD 0.00001; ExAC 0.00002.
gnomAD v4.1: 6 of 1,613,990 alleles (0.00037%); highest among the groups gnomAD compares: East Asian, 0.0022%; no homozygotes.

Submission:

Labcorp Genetics (formerly Invitae), Labcorp
Classification: Uncertain significance. Last evaluated: 2022-08-29. Review status: criteria provided, single submitter. Criteria: Invitae Variant Classification Sherloc (09022015). Collection method: clinical testing. Allele origin: germline.
Comment: This sequence change replaces aspartic acid, which is acidic and polar, with asparagine, which is neutral and polar, at codon 891 of the TCF20 protein (p.Asp891Asn). This variant is present in population databases (rs763265100, gnomAD 0.005%). This variant has not been reported in the literature in individuals affected with TCF20-related conditions. Algorithms developed to predict the effect of missense changes on protein structure and function are either unavailable or do not agree on the potential impact of this missense change (SIFT: "Tolerated"; PolyPhen-2: "Possibly Damaging"; Align-GVGD: "Class C0"). In summary, the available evidence is currently insufficient to determine the role of this variant in disease. Therefore, it has been classified as a Variant of Uncertain Significance.